The following is an entry in ClinVar:

ClinVar aggregate classification (germline): Likely benign. Review status: criteria provided, multiple submitters, no conflicts (2 of 4 stars). 2 submissions from 2 submitters: Likely benign (2). Last evaluated 2025-01-13.

Conditions:
Evans syndrome, immunodeficiency, and premature immunosenescence associated with tripeptidyl-peptidase II deficiency. Identifiers: MedGen CN231723. Disease mechanism: loss of function.

Allele frequency attached by ClinVar (database versions not stated): gnomAD exomes 0.00001 and 0.00002; ExAC 0.00002; TOPMed 0.00006; gnomAD 0.00007 and 0.00008.
gnomAD v4.1: 22 of 1,606,146 alleles (0.0014%); highest among the groups gnomAD compares: African/African-American, 0.019%; no homozygotes.

Submissions (2):

Mayo Clinic Laboratories, Mayo Clinic
Classification: Likely benign. Last evaluated: 2025-01-13. Review status: criteria provided, single submitter. Criteria: ACMG Guidelines, 2015. Collection method: clinical testing. Allele origin: germline. Observed: 1 variant allele.
Comment: BP4, BP7

Labcorp Genetics (formerly Invitae), Labcorp
Classification: Likely benign for Evans syndrome, immunodeficiency, and premature immunosenescence associated with tripeptidyl-peptidase II deficiency. Last evaluated: 2022-10-31. Review status: criteria provided, single submitter. Criteria: Invitae Variant Classification Sherloc (09022015). Collection method: clinical testing. Allele origin: germline.

NM_001330588.2(TPP2):c.609C>T (p.Gly203=)

Gene: TPP2 (tripeptidyl peptidase 2; plus strand). Cytogenetic location: 13q33.1.
Variant type: single nucleotide variant.
Coding change: c.609C>T on transcript NM_001330588.2 (MANE Select); coding-DNA position 609, C replaced by T.
Protein change: p.Gly203=; no amino-acid change (glycine 203 retained).
Molecular consequence: synonymous variant. On other transcripts: non-coding transcript variant (1).
Genome position (GRCh38, 1-based): chr13:102,618,835, C>T. VCF-style: chr13-102618835-C-T. GRCh37 (hg19) VCF-style: chr13-103271185-C-T.
Other names: p.Gly203=; c.609C>T, p.Gly203= (NM_001367947.1, NM_003291.4).
Identifiers: ClinVar variation 1445774 (VCV001445774.9), dbSNP rs781303333, ClinGen allele CA7037552.